The following is an entry in ClinVar:

ClinVar aggregate classification (germline): Likely benign. Review status: criteria provided, multiple submitters, no conflicts (2 of 4 stars). 2 submissions from 2 submitters: Likely benign (2). Last evaluated 2023-10-15.

Allele frequency attached by ClinVar (database versions not stated): ExAC 0.00001; gnomAD exomes 0.00002; gnomAD 0.00004 and 0.00005; TOPMed 0.00004; 1000 Genomes Project 30x 0.00016; 1000 Genomes Project 0.00020.
gnomAD v4.1: 108 of 1,612,890 alleles (0.0067%); highest among the groups gnomAD compares: Non-Finnish European, 0.0087%; no homozygotes.

Submissions (2):

Labcorp Genetics (formerly Invitae), Labcorp
Classification: Likely benign. Last evaluated: 2023-10-15. Review status: criteria provided, single submitter. Criteria: Invitae Variant Classification Sherloc (09022015). Collection method: clinical testing. Allele origin: germline.

GeneDx
Classification: Likely benign. Last evaluated: 2017-04-04. Review status: criteria provided, single submitter. Criteria: GeneDx Variant Classification (06012015). Collection method: clinical testing. Allele origin: germline. Affected: yes.
Comment: This variant is considered likely benign or benign based on one or more of the following criteria: it is a conservative change, it occurs at a poorly conserved position in the protein, it is predicted to be benign by multiple in silico algorithms, and/or has population frequency not consistent with disease.

NM_001374385.1(ATP8B1):c.835C>T (p.Leu279=)

Gene: ATP8B1 (ATPase phospholipid transporting 8B1; minus strand). Cytogenetic location: 18q21.31.
Variant type: single nucleotide variant.
Coding change: c.835C>T on transcript NM_001374385.1 (MANE Select); coding-DNA position 835, C replaced by T.
Protein change: p.Leu279=; no amino-acid change (leucine 279 retained).
Molecular consequence: synonymous variant.
Genome position (GRCh38, 1-based): chr18:57,695,276, G>A on the plus strand (C>T on the coding strand, the complement: ATP8B1 is on the minus strand). VCF-style: chr18-57695276-G-A. GRCh37 (hg19) VCF-style: chr18-55362508-G-A.
Other names: c.685C>T, p.Leu229= (NM_001374386.1); c.835C>T, p.Leu279= (NM_005603.6).
Identifiers: ClinVar variation 508529 (VCV000508529.4), dbSNP rs183314413, ClinGen allele CA8974714.